The following is an entry in ClinVar:

NM_006343.3(MERTK):c.1513_1521dup (p.Ile505_Gly507dup)

Gene: MERTK (MER proto-oncogene, tyrosine kinase; plus strand). Cytogenetic location: 2q13.
Variant type: Duplication.
Coding change: c.1513_1521dup on transcript NM_006343.3 (MANE Select); coding-DNA positions 1513 to 1521, 9 bases duplicated (ATCTTTGGC; older notation c.1513_1521dupATCTTTGGC).
Protein change: p.Ile505_Gly507dup.
Molecular consequence: inframe insertion.
Genome position (GRCh38, 1-based): chr2:111,997,385-111,997,393, ATCTTTGGC duplicated; duplicating any 9 consecutive bases within chr2:111,997,384-111,997,393 gives the same sequence; the c. name uses the placement nearest the transcript's 3' end. VCF-style (leftmost placement, unchanged base first): chr2-111997383-T-TCATCTTTGG. GRCh37 (hg19) VCF-style: chr2-112754960-T-TCATCTTTGG.
Identifiers: ClinVar variation 1004018 (VCV001004018.10), dbSNP rs1676769913, ClinGen allele CA1279566556.
Genomic context (GRCh38, chr2:111,997,383, plus strand): 5'-GTTGGGTAGATTATGCCCCCTCTTCAACTCCGGCGCCTGGCAACGCAGATCCTGTGCTCA[T>TCATCTTTGG]CATCTTTGGCTGCTTTTGTGGATTTATTTTGATTGGGTTGATTTTATACATCTCCTTGGC-3'

ClinVar aggregate classification (germline): Uncertain significance (1 of 4 stars; one submission).

Submission:

Labcorp Genetics (formerly Invitae), Labcorp
Classification: Uncertain significance. Last evaluated: 2022-07-05. Review status: criteria provided, single submitter. Criteria: Invitae Variant Classification Sherloc (09022015). Collection method: clinical testing. Allele origin: germline.
Comment: This variant is not present in population databases (gnomAD no frequency). In summary, the available evidence is currently insufficient to determine the role of this variant in disease. Therefore, it has been classified as a Variant of Uncertain Significance. Experimental studies and prediction algorithms are not available or were not evaluated, and the functional significance of this variant is currently unknown. ClinVar contains an entry for this variant (Variation ID: 1004018). This variant has not been reported in the literature in individuals affected with MERTK-related conditions. This variant, c.1513_1521dup, results in the insertion of 3 amino acid(s) of the MERTK protein (p.Ile505_Gly507dup), but otherwise preserves the integrity of the reading frame.